The following is an entry in ClinVar:

NM_001267550.2(TTN):c.32700dup (p.Glu10901fs)

Gene: TTN (titin; minus strand). Cytogenetic location: 2q31.2.
Variant type: Duplication.
Coding change: c.32700dup on transcript NM_001267550.2 (MANE Select); coding-DNA position 32700, one base duplicated (A; older notation c.32700dupA).
Protein change: p.Glu10901fs; shifts the reading frame from glutamic acid 10901.
Molecular consequence: frameshift variant. On other transcripts: intron variant (3).
Genome position (GRCh38, 1-based): chr2:178,684,352, T duplicated on the plus strand (A on the coding strand, the reverse complement: TTN is on the minus strand); the first of 6 consecutive T bases (chr2:178,684,352-178,684,357); duplicating any one gives the same sequence. VCF-style (leftmost placement, unchanged base first): chr2-178684351-C-CT. GRCh37 (hg19) VCF-style: chr2-179549078-C-CT.
Other names: c.31749dup, p.Glu10584fs (NM_001256850.1); c.28968dup, p.Glu9657fs (NM_133378.4); c.13283-42035dup (NM_003319.4); c.13859-42035dup (NM_133437.4); c.13658-42035dup (NM_133432.3); short protein forms E10901fs, E10584fs, E9657fs.
Identifiers: ClinVar variation 2922075 (VCV002922075.3), dbSNP rs2474148972, ClinGen allele CA2740096221.

ClinVar aggregate classification (germline): Likely pathogenic (1 of 4 stars; one submission).

Conditions:
Dilated cardiomyopathy 1G (CMD1G). Identifiers: Orphanet 154, MedGen C1858763, MONDO:0011400, OMIM 604145.
Autosomal recessive limb-girdle muscular dystrophy type 2J (LGMDR10). Also called: Limb-girdle muscular dystrophy, type 2J; MUSCULAR DYSTROPHY, LIMB-GIRDLE, AUTOSOMAL RECESSIVE 10. Identifiers: Orphanet 140922, MedGen C1837342, MONDO:0012127, OMIM 608807.

Submission:

Labcorp Genetics (formerly Invitae), Labcorp
Classification: Likely pathogenic for Dilated cardiomyopathy 1G; Autosomal recessive limb-girdle muscular dystrophy type 2J. Last evaluated: 2024-04-29. Review status: criteria provided, single submitter. Criteria: Invitae Variant Classification Sherloc (09022015). Collection method: clinical testing. Allele origin: germline.
Comment: This sequence change creates a premature translational stop signal (p.Glu10901Argfs*27) in the TTN gene. While this is not anticipated to result in nonsense mediated decay, it is expected to create a truncated TTN protein. This variant is not present in population databases (gnomAD no frequency). This variant has not been reported in the literature in individuals affected with TTN-related conditions. This variant is located in the I band of TTN (PMID: 25589632). Truncating variants in this region have been reported in individuals affected with autosomal recessive centronuclear myopathy (PMID: 23975875, Invitae internal data). Truncating variants in this region have also been identified in individuals affected with autosomal dominant dilated cardiomyopathy and/or cardio-related conditions (PMID: 27869827, 32964742, Invitae internal data). In summary, the currently available evidence indicates that the variant is pathogenic, but additional data are needed to prove that conclusively. Therefore, this variant has been classified as Likely Pathogenic.

Literature cited by the submitters: PubMed 25589632; PubMed 23975875; PubMed 27869827; PubMed 32964742.